The following is an entry in ClinVar:

NM_001195518.2(MICU1):c.1140A>G (p.Ala380=)

Gene: MICU1 (mitochondrial calcium uptake 1; minus strand). Cytogenetic location: 10q22.1.
Variant type: single nucleotide variant.
Coding change: c.1140A>G on transcript NM_001195518.2 (MANE Select); coding-DNA position 1140, A replaced by G.
Protein change: p.Ala380=; no amino-acid change (alanine 380 retained).
Molecular consequence: synonymous variant.
Genome position (GRCh38, 1-based): chr10:72,407,969, T>C on the plus strand (A>G on the coding strand, the complement: MICU1 is on the minus strand). VCF-style: chr10-72407969-T-C. GRCh37 (hg19) VCF-style: chr10-74167727-T-C.
Other names: c.546A>G, p.Ala182= (NM_001195519.2); c.1158A>G, p.Ala386= (NM_001363513.2); c.1146A>G, p.Ala382= (NM_006077.4).
Identifiers: ClinVar variation 1196144 (VCV001196144.15), dbSNP rs562566048, ClinGen allele CA5550067.

ClinVar aggregate classification (germline): Likely benign. Review status: criteria provided, multiple submitters, no conflicts (2 of 4 stars). 3 submissions from 3 submitters: Likely benign (3). Last evaluated 2026-02-01.

Allele frequency attached by ClinVar (database versions not stated): ExAC 0.00006; gnomAD 0.00006 and 0.00007; gnomAD exomes 0.00006 and 0.00008; TOPMed 0.00007; 1000 Genomes Project 30x 0.00016; 1000 Genomes Project 0.00020.

Submissions (3):

CeGaT Center for Human Genetics Tuebingen
Classification: Likely benign. Last evaluated: 2026-02-01. Review status: criteria provided, single submitter. Criteria: CeGaT Center For Human Genetics Tuebingen Variant Classification Criteria Version 2. Collection method: clinical testing. Allele origin: germline. Affected: yes. Observed: 2 variant alleles.
Comment: MICU1: BP4, BP7

Labcorp Genetics (formerly Invitae), Labcorp
Classification: Likely benign. Last evaluated: 2025-10-26. Review status: criteria provided, single submitter. Criteria: Invitae Variant Classification Sherloc (09022015). Collection method: clinical testing. Allele origin: germline.

GeneDx
Classification: Likely benign. Last evaluated: 2018-12-07. Review status: criteria provided, single submitter. Criteria: GeneDx Variant Classification Process June 2021. Collection method: clinical testing. Allele origin: germline. Affected: yes.